The following is an entry in ClinVar:

NM_000061.3(BTK):c.166A>G (p.Ile56Val)

Gene: BTK (Bruton tyrosine kinase; minus strand). Cytogenetic location: Xq22.1.
Variant type: single nucleotide variant.
Coding change: c.166A>G on transcript NM_000061.3 (MANE Select); coding-DNA position 166, A replaced by G.
Protein change: p.Ile56Val; replaces isoleucine 56 with valine.
Molecular consequence: missense variant.
Genome position (GRCh38, 1-based): chrX:101,374,610, T>C on the plus strand (A>G on the coding strand, the complement: BTK is on the minus strand). VCF-style: chrX-101374610-T-C. GRCh37 (hg19) VCF-style: chrX-100629598-T-C.
Other names: c.268A>G, p.Ile90Val (NM_001287344.2); c.166A>G, p.Ile56Val (NM_001287345.2); short protein forms I56V, I90V.
Identifiers: ClinVar variation 3896601 (VCV003896601.2).
Genomic context (GRCh38, chrX:101,374,610, plus strand): 5'-CTGGAGGAGGATTTTTTTCAGGAACCACTGTTTCAACACAAGTGATCTTCTCAACATCTA[T>C]TGAACCCTTCTTACTGCCTCTTCTCTGAGAAGTAGAATGAGGAAGAAAATGGAGAAAGAT-3'
Protein context (NP_000052.1, residues 46-66): RGRRGSKKGS[Ile56Val]DVEKITCVET

ClinVar aggregate classification (germline): Uncertain significance (1 of 4 stars; one submission).

gnomAD v4.1: 1 of 1,209,646 alleles (0.000083%); highest among the groups gnomAD compares: South Asian, 0.0018%; no homozygotes.

Submission:

Women's Health and Genetics/Laboratory Corporation of America, LabCorp
Classification: Uncertain significance. Last evaluated: 2025-04-28. Review status: criteria provided, single submitter. Criteria: LabCorp Variant Classification Summary - May 2015. Collection method: clinical testing. Allele origin: germline.
Comment: Variant summary: BTK c.166A>G (p.Ile56Val) results in a conservative amino acid change in the encoded protein sequence. Four of five in-silico tools predict a benign effect of the variant on protein function. The variant was absent in 183280 control chromosomes. The available data on variant occurrences in the general population are insufficient to allow any conclusion about variant significance. To our knowledge, no occurrence of c.166A>G in individuals affected with X-Linked Agammaglobulinemia and no experimental evidence demonstrating its impact on protein function have been reported. No submitters have cited clinical-significance assessments for this variant to ClinVar. Based on the evidence outlined above, the variant was classified as uncertain significance.